The following is an entry in ClinVar:

ClinVar aggregate classification (germline): Benign. Review status: criteria provided, multiple submitters, no conflicts (2 of 4 stars). 4 submissions from 4 submitters: Benign (4). Last evaluated 2025-12-30.

Conditions:
Microcytic anemia. Identifiers: MedGen C5194182, MONDO:0001245, HP:0001935. Disease mechanism: loss of function.

Allele frequency attached by ClinVar (database versions not stated): gnomAD 0.00325 and 0.00632; TOPMed 0.00416; ESP Exome Variant Server 0.00477; gnomAD exomes 0.01436; ExAC 0.01628; 1000 Genomes Project 30x 0.02936; 1000 Genomes Project 0.03055.
gnomAD v4.1: 11,342 of 1,614,154 alleles (0.7%); highest among the groups gnomAD compares: South Asian, 9.7%; 588 homozygotes.

Submissions (4):

Labcorp Genetics (formerly Invitae), Labcorp
Classification: Benign. Last evaluated: 2025-12-30. Review status: criteria provided, single submitter. Criteria: Invitae Variant Classification Sherloc (09022015). Collection method: clinical testing. Allele origin: germline.

Mayo Clinic Laboratories, Mayo Clinic
Classification: Benign. Last evaluated: 2023-09-13. Review status: criteria provided, single submitter. Criteria: ACMG Guidelines, 2015. Collection method: clinical testing. Allele origin: germline. Observed: 13 variant alleles.

Illumina Laboratory Services, Illumina
Classification: Benign for Iron-refractory iron deficiency anemia. Last evaluated: 2018-01-13. Review status: criteria provided, single submitter. Criteria: ICSL Variant Classification Criteria 13 December 2019. Collection method: clinical testing. Allele origin: germline.
Comment: This variant was observed in the ICSL laboratory as part of a predisposition screen in an ostensibly healthy population. It had not been previously curated by ICSL or reported in the Human Gene Mutation Database (HGMD: prior to June 1st, 2018), and was therefore a candidate for classification through an automated scoring system. Utilizing variant allele frequency, disease prevalence and penetrance estimates, and inheritance mode, an automated score was calculated to assess if this variant is too frequent to cause the disease. Based on the score and internal cut-off values, a variant classified as benign is not then subjected to further curation. The score for this variant resulted in a classification of benign for this disease.

Breakthrough Genomics
Classification: Benign. Review status: criteria provided, single submitter. Criteria: ACMG Guidelines, 2015. Collection method: not provided. Allele origin: germline. Inheritance: Autosomal recessive inheritance. Affected: yes.

NM_001374504.1(TMPRSS6):c.537C>T (p.Ala179=)

Gene: TMPRSS6 (transmembrane serine protease 6; minus strand). Cytogenetic location: 22q12.3.
Variant type: single nucleotide variant.
Coding change: c.537C>T on transcript NM_001374504.1 (MANE Select); coding-DNA position 537, C replaced by T.
Protein change: p.Ala179=; no amino-acid change (alanine 179 retained).
Molecular consequence: synonymous variant.
Genome position (GRCh38, 1-based): chr22:37,095,958, G>A on the plus strand (C>T on the coding strand, the complement: TMPRSS6 is on the minus strand). VCF-style: chr22-37095958-G-A. GRCh37 (hg19) VCF-style: chr22-37491998-G-A.
Other names: p.Ala188=; c.537C>T, p.Ala179= (NM_001289000.2, NM_001289001.2, NM_153609.4); c.564C>T (NM_153609.3).
Identifiers: ClinVar variation 341600 (VCV000341600.14), dbSNP rs139207981, ClinGen allele CA10216050.
Genomic context (GRCh38, chr22:37,095,958, plus strand): 5'-GTACTGACCCAGGATCACTAGGCCCTCGGGGTCCACTTCGTACTCGGCCCTGTAGGGGAC[G>A]GCAGCCGAGCTGTTGACTGTGGACAGCAGCTCCTCCACCAGCAGTGCCTGCACCACCTCG-3'
Protein context (NP_001361433.1, residues 169-189): ELLSTVNSSA[Ala179=]VPYRAEYEVD